The following is an entry in ClinVar:

ClinVar aggregate classification (germline): Uncertain significance (1 of 4 stars; one submission).

Submission:

CeGaT Center for Human Genetics Tuebingen
Classification: Uncertain significance. Last evaluated: 2023-08-01. Review status: criteria provided, single submitter. Criteria: CeGaT Center For Human Genetics Tuebingen Variant Classification Criteria Version 2. Collection method: clinical testing. Allele origin: germline. Affected: yes. Observed: 1 variant allele.
Comment: ARHGAP4: PM2, BP4

NM_001666.5(ARHGAP4):c.2801C>T (p.Ser934Phe)

Gene: ARHGAP4 (Rho GTPase activating protein 4; minus strand). Cytogenetic location: Xq28.
Variant type: single nucleotide variant.
Coding change: c.2801C>T on transcript NM_001666.5 (MANE Select); coding-DNA position 2801, C replaced by T.
Protein change: p.Ser934Phe; replaces serine 934 with phenylalanine.
Molecular consequence: missense variant.
Genome position (GRCh38, 1-based): chrX:153,907,769, G>A on the plus strand (C>T on the coding strand, the complement: ARHGAP4 is on the minus strand). VCF-style: chrX-153907769-G-A. GRCh37 (hg19) VCF-style: chrX-153173223-G-A.
Other names: c.2921C>T, p.Ser974Phe (NM_001164741.2); short protein forms S934F, S974F.
Identifiers: ClinVar variation 2661747 (VCV002661747.24), dbSNP rs1557101567, ClinGen allele CA415114463.
Genomic context (GRCh38, chrX:153,907,769, plus strand): 5'-GCATCTCCAGCAGCGGCACCTCAGTGTGGCTTGGGGGTCGTGTCTAGGCCCTGGGGGTGG[G>A]AAGCTGAGGGTGAGGCTGGGGCCCCAGGGCCCCGGGAGAAGCCTTTGTTCCTGCCCAGGC-3'
Protein context (NP_001657.3, residues 924-944): GPGAPASPSA[Ser934Phe]HPQGLDTTPK